The following is an entry in ClinVar:

NM_025099.6(CTC1):c.2570A>G (p.Asn857Ser)

Gene: CTC1 (CST telomere replication complex component 1; minus strand). Cytogenetic location: 17p13.1.
Variant type: single nucleotide variant.
Coding change: c.2570A>G on transcript NM_025099.6 (MANE Select); coding-DNA position 2570, A replaced by G.
Protein change: p.Asn857Ser; replaces asparagine 857 with serine.
Molecular consequence: missense variant. On other transcripts: non-coding transcript variant (1).
Genome position (GRCh38, 1-based): chr17:8,231,375, T>C on the plus strand (A>G on the coding strand, the complement: CTC1 is on the minus strand). VCF-style: chr17-8231375-T-C. GRCh37 (hg19) VCF-style: chr17-8134693-T-C.
Other names: c.2570A>G, p.Asn857Ser (NM_001411067.1); c.2570A>G (NM_025099.5); short protein forms N857S.
Identifiers: ClinVar variation 2038872 (VCV002038872.6), dbSNP rs1987208620, ClinGen allele CA397975847.

ClinVar aggregate classification (germline): Uncertain significance. Review status: criteria provided, multiple submitters, no conflicts (2 of 4 stars). 3 submissions from 3 submitters: Uncertain significance (3). Last evaluated 2025-08-22.

Conditions:
Inborn genetic diseases. Identifiers: MedGen C0950123, MeSH D030342.
Dyskeratosis congenita. Identifiers: Orphanet 1775, MedGen C0265965, MONDO:0015780.

Allele frequency attached by ClinVar (database versions not stated): TOPMed 0.00001.
gnomAD v4.1: 2 of 1,613,092 alleles (0.00012%); highest among the groups gnomAD compares: Non-Finnish European, 0.000085%; no homozygotes.

Submissions (3):

Ambry Genetics
Classification: Uncertain significance for Inborn genetic diseases. Last evaluated: 2025-08-22. Review status: criteria provided, single submitter. Criteria: Ambry Variant Classification Scheme 2023. Collection method: clinical testing. Allele origin: germline.

Labcorp Genetics (formerly Invitae), Labcorp
Classification: Uncertain significance for Dyskeratosis congenita. Last evaluated: 2025-06-23. Review status: criteria provided, single submitter. Criteria: Invitae Variant Classification Sherloc (09022015). Collection method: clinical testing. Allele origin: germline.
Comment: This sequence change replaces asparagine, which is neutral and polar, with serine, which is neutral and polar, at codon 857 of the CTC1 protein (p.Asn857Ser). This variant is not present in population databases (gnomAD no frequency). This variant has not been reported in the literature in individuals affected with CTC1-related conditions. ClinVar contains an entry for this variant (Variation ID: 2038872). Invitae Evidence Modeling of protein sequence and biophysical properties (such as structural, functional, and spatial information, amino acid conservation, physicochemical variation, residue mobility, and thermodynamic stability) indicates that this missense variant is not expected to disrupt CTC1 protein function with a negative predictive value of 80%. In summary, the available evidence is currently insufficient to determine the role of this variant in disease. Therefore, it has been classified as a Variant of Uncertain Significance.

Blueprint Genetics
Classification: Uncertain significance. Last evaluated: 2022-09-14. Review status: criteria provided, single submitter. Criteria: ACMG Guidelines, 2015. Collection method: clinical testing. Allele origin: germline.